The following is an entry in ClinVar:

ClinVar aggregate classification (germline): Benign/Likely benign. Review status: criteria provided, multiple submitters, no conflicts (2 of 4 stars). 2 submissions from 2 submitters: Benign (1); Likely benign (1). Last evaluated 2024-12-23.

Conditions:
Hereditary spastic paraplegia 7 (SPG7). Also called: SPASTIC PARAPLEGIA 7, AUTOSOMAL RECESSIVE, WITH OR WITHOUT CEREBELLAR ATAXIA; Spastic paraplegia 7; Hereditary spastic paraplegia Paraplegin type; Autosomal recessive spastic paraplegia type 7; SPG7-related neurologic disorder. Identifiers: Orphanet 99013, MedGen C1846564, MONDO:0011803, OMIM 607259.

Submissions (2):

Labcorp Genetics (formerly Invitae), Labcorp
Classification: Benign for Hereditary spastic paraplegia 7. Last evaluated: 2024-12-23. Review status: criteria provided, single submitter. Criteria: Invitae Variant Classification Sherloc (09022015). Collection method: clinical testing. Allele origin: germline.

GeneDx
Classification: Likely benign. Last evaluated: 2023-01-05. Review status: criteria provided, single submitter. Criteria: GeneDx Variant Classification Process June 2021. Collection method: clinical testing. Allele origin: germline. Affected: yes.
Comment: See Variant Classification Assertion Criteria.

NM_003119.4(SPG7):c.1553-8_1553-7del

Gene: SPG7 (SPG7 matrix AAA peptidase subunit, paraplegin; plus strand). Cytogenetic location: 16q24.3.
Variant type: Microsatellite.
Coding change: c.1553-8_1553-7del on transcript NM_003119.4 (MANE Select); 8 bases into the intron before coding-DNA position 1553 through 7 bases into the intron before coding-DNA position 1553, 2 bases deleted (GT; older notation c.1553-8_1553-7delGT).
Molecular consequence: intron variant.
Genome position (GRCh38, 1-based): chr16:89,547,995-89,547,996, GT deleted; deleting any 2 consecutive bases within chr16:89,547,992-89,547,996 gives the same sequence; the c. name uses the placement nearest the transcript's 3' end. VCF-style (leftmost placement, unchanged base first): chr16-89547991-TTG-T. GRCh37 (hg19) VCF-style: chr16-89614399-TTG-T.
Other names: c.1553-8_1553-7del (NM_001363850.1).
Identifiers: ClinVar variation 1598925 (VCV001598925.10), dbSNP rs567981282, ClinGen allele CA8244260.